The following is an entry in ClinVar:

NM_000051.4(ATM):c.5106A>T (p.Leu1702Phe)

Gene: ATM (ATM serine/threonine kinase; plus strand). Cytogenetic location: 11q22.3.
Variant type: single nucleotide variant.
Coding change: c.5106A>T on transcript NM_000051.4 (MANE Select); coding-DNA position 5106, A replaced by T.
Protein change: p.Leu1702Phe; replaces leucine 1702 with phenylalanine.
Molecular consequence: missense variant.
Genome position (GRCh38, 1-based): chr11:108,299,814, A>T. VCF-style: chr11-108299814-A-T. GRCh37 (hg19) VCF-style: chr11-108170541-A-T.
Other names: c.5106A>T, p.Leu1702Phe (NM_001351834.2); short protein forms L1702F.
Identifiers: ClinVar variation 1745372 (VCV001745372.2), dbSNP rs2083331055, ClinGen allele CA382540762.

ClinVar aggregate classification (germline): Uncertain significance (1 of 4 stars; one submission).

Conditions:
Hereditary cancer-predisposing syndrome. Also called: Hereditary Cancer Syndrome; Neoplastic Syndromes, Hereditary; Tumor predisposition; Hereditary neoplastic syndrome. Identifiers: Orphanet 140162, MedGen C0027672, MeSH D009386, MONDO:0015356.

Submission:

Ambry Genetics
Classification: Uncertain significance for Hereditary cancer-predisposing syndrome. Last evaluated: 2020-11-10. Review status: criteria provided, single submitter. Criteria: Ambry Variant Classification Scheme 2023. Collection method: clinical testing. Allele origin: germline.
Comment: The p.L1702F variant (also known as c.5106A>T), located in coding exon 33 of the ATM gene, results from an A to T substitution at nucleotide position 5106. The leucine at codon 1702 is replaced by phenylalanine, an amino acid with highly similar properties. This amino acid position is highly conserved in available vertebrate species. In addition, this alteration is predicted to be tolerated by in silico analysis. Since supporting evidence is limited at this time, the clinical significance of this alteration remains unclear.